The following is an entry in ClinVar:

ClinVar aggregate classification (germline): Uncertain significance (1 of 4 stars; one submission).

Conditions:
Syndromic multisystem autoimmune disease due to ITCH deficiency. Also called: AUTOIMMUNE DISEASE, MULTISYSTEM, WITH FACIAL DYSMORPHISM. Identifiers: Orphanet 228426, MedGen C3150649, MONDO:0013245, OMIM 613385.

Submission:

Labcorp Genetics (formerly Invitae), Labcorp
Classification: Uncertain significance for Syndromic multisystem autoimmune disease due to ITCH deficiency. Last evaluated: 2022-04-28. Review status: criteria provided, single submitter. Criteria: Invitae Variant Classification Sherloc (09022015). Collection method: clinical testing. Allele origin: germline.
Comment: In summary, the available evidence is currently insufficient to determine the role of this variant in disease. Therefore, it has been classified as a Variant of Uncertain Significance. Algorithms developed to predict the effect of missense changes on protein structure and function are either unavailable or do not agree on the potential impact of this missense change (SIFT: "Not Available"; PolyPhen-2: "Probably Damaging"; Align-GVGD: "Not Available"). This variant has not been reported in the literature in individuals affected with ITCH-related conditions. This variant is not present in population databases (gnomAD no frequency). This sequence change replaces alanine, which is neutral and non-polar, with proline, which is neutral and non-polar, at codon 605 of the ITCH protein (p.Ala605Pro).

NM_031483.7(ITCH):c.1813G>C (p.Ala605Pro)

Gene: ITCH (itchy E3 ubiquitin protein ligase; plus strand). Cytogenetic location: 20q11.22.
Variant type: single nucleotide variant.
Coding change: c.1813G>C on transcript NM_031483.7 (MANE Select); coding-DNA position 1813, G replaced by C.
Protein change: p.Ala605Pro; replaces alanine 605 with proline.
Molecular consequence: missense variant.
Genome position (GRCh38, 1-based): chr20:34,479,784, G>C. VCF-style: chr20-34479784-G-C. GRCh37 (hg19) VCF-style: chr20-33067589-G-C.
Other names: c.1936G>C, p.Ala646Pro (NM_001257137.3, NM_001324197.2); c.1483G>C, p.Ala495Pro (NM_001257138.3); c.1813G>C, p.Ala605Pro (NM_001324198.2); short protein forms A495P, A605P, A646P.
Identifiers: ClinVar variation 2128157 (VCV002128157.4), dbSNP rs80241710, ClinGen allele CA408669750.
Genomic context (GRCh38, chr20:34,479,784, plus strand): 5'-CCCGCTTCTTACATCAATCCAGATCACCTGAAATATTTTCGTTTTATTGGCAGATTTATT[G>C]CCATGGTAAGTGCAGGTCAAGAATTATGTTTACTTTGCTTATTCAGCAATACTAAATTTT-3'
Protein context (NP_113671.3, residues 595-615): KYFRFIGRFI[Ala605Pro]MALFHGKFID